The following is an entry in ClinVar:

ClinVar aggregate classification (germline): Uncertain significance (1 of 4 stars; one submission).

Submission:

Labcorp Genetics (formerly Invitae), Labcorp
Classification: Uncertain significance. Last evaluated: 2019-10-03. Review status: criteria provided, single submitter. Criteria: Invitae Variant Classification Sherloc (09022015). Collection method: clinical testing. Allele origin: germline.
Comment: In summary, the available evidence is currently insufficient to determine the role of this variant in disease. Therefore, it has been classified as a Variant of Uncertain Significance. Algorithms developed to predict the effect of missense changes on protein structure and function are either unavailable or do not agree on the potential impact of this missense change (SIFT: "Deleterious"; PolyPhen-2: "Probably Damaging"; Align-GVGD: "Class C0"). This variant has not been reported in the literature in individuals with PLK4-related conditions. This variant is not present in population databases (ExAC no frequency). This sequence change replaces leucine with phenylalanine at codon 780 of the PLK4 protein (p.Leu780Phe). The leucine residue is highly conserved and there is a small physicochemical difference between leucine and phenylalanine.

NM_014264.5(PLK4):c.2340A>C (p.Leu780Phe)

Gene: PLK4 (polo like kinase 4; plus strand). Cytogenetic location: 4q28.1.
Variant type: single nucleotide variant.
Coding change: c.2340A>C on transcript NM_014264.5 (MANE Select); coding-DNA position 2340, A replaced by C.
Protein change: p.Leu780Phe; replaces leucine 780 with phenylalanine.
Molecular consequence: missense variant.
Genome position (GRCh38, 1-based): chr4:127,893,530, A>C. VCF-style: chr4-127893530-A-C. GRCh37 (hg19) VCF-style: chr4-128814685-A-C.
Other names: c.2244A>C, p.Leu748Phe (NM_001190799.2); c.2217A>C, p.Leu739Phe (NM_001190801.2); short protein forms L780F, L739F, L748F.
Identifiers: ClinVar variation 957345 (VCV000957345.6), dbSNP rs1735445552, ClinGen allele CA358161898.